The following is an entry in ClinVar:

NC_000004.11:g.(?_5565510)_(5811251_?)del

Genes: EVC (EvC ciliary complex subunit 1; plus strand), EVC2 (EvC ciliary complex subunit 2; minus strand). Cytogenetic location: 4p16.2.
Variant type: Deletion.
Identifiers: ClinVar variation 1452022 (VCV001452022.5).

ClinVar aggregate classification (germline): Pathogenic (1 of 4 stars; one submission).

Conditions:
Ellis-van Creveld syndrome (EVC). Also called: EVC-Related Ellis-van Creveld Syndrome; EVC2-Related Ellis-van Creveld Syndrome; MESOECTODERMAL DYSPLASIA; Chondroectodermal dysplasia. Identifiers: Orphanet 289, MedGen C0013903, MONDO:0009162, OMIM 225500.
Curry-Hall syndrome (WAD). Also called: WEYERS ACRODENTAL DYSOSTOSIS. Identifiers: Orphanet 952, MedGen C0457013, MONDO:0008673, OMIM 193530.

Submission:

Labcorp Genetics (formerly Invitae), Labcorp
Classification: Pathogenic for Curry-Hall syndrome; Ellis-van Creveld syndrome. Last evaluated: 2021-02-24. Review status: criteria provided, single submitter. Criteria: Invitae Variant Classification Sherloc (09022015). Collection method: clinical testing. Allele origin: germline.
Comment: For these reasons, this variant has been classified as Pathogenic. This variant has not been reported in the literature in individuals with EVC-related conditions. This variant results in the deletion of exons 1-18 and part of exon 19 (c.-147596_2697del) of the EVC gene. It is expected to result in an absent or disrupted protein product. Loss-of-function variants in EVC are known to be pathogenic (PMID: 23220543).

Literature cited by the submitters: PubMed 23220543.